The following is an entry in ClinVar:

NM_000127.3(EXT1):c.2134T>C (p.Phe712Leu)

Gene: EXT1 (exostosin glycosyltransferase 1; minus strand). Cytogenetic location: 8q24.11.
Variant type: single nucleotide variant.
Coding change: c.2134T>C on transcript NM_000127.3 (MANE Select); coding-DNA position 2134, T replaced by C.
Protein change: p.Phe712Leu; replaces phenylalanine 712 with leucine.
Molecular consequence: missense variant.
Genome position (GRCh38, 1-based): chr8:117,799,819, A>G on the plus strand (T>C on the coding strand, the complement: EXT1 is on the minus strand). VCF-style: chr8-117799819-A-G. GRCh37 (hg19) VCF-style: chr8-118812058-A-G.
Other names: short protein forms F712L.
Identifiers: ClinVar variation 2187073 (VCV002187073.4), dbSNP rs575830428, ClinGen allele CA184316406.

ClinVar aggregate classification (germline): Uncertain significance (1 of 4 stars; one submission).

Conditions:
Multiple congenital exostosis (EXT). Also called: Multiple osteochondromas; Hereditary multiple osteochondromas; Hereditary multiple exostoses; Hereditary multiple exostosis; MULTIPLE CARTILAGINOUS EXOSTOSES; Multiple exostoses. Identifiers: Orphanet 321, MedGen C0015306, MONDO:0005508, HP:0002762.

Allele frequency attached by ClinVar (database versions not stated): gnomAD exomes below 0.00001; 1000 Genomes Project 30x 0.00016; 1000 Genomes Project 0.00020.
gnomAD v4.1: 2 of 1,614,178 alleles (0.00012%); highest among the groups gnomAD compares: South Asian, 0.0011%; no homozygotes.

Submission:

Labcorp Genetics (formerly Invitae), Labcorp
Classification: Uncertain significance for Multiple congenital exostosis. Last evaluated: 2025-12-03. Review status: criteria provided, single submitter. Criteria: Invitae Variant Classification Sherloc (09022015). Collection method: clinical testing. Allele origin: germline.
Comment: This sequence change replaces phenylalanine, which is neutral and non-polar, with leucine, which is neutral and non-polar, at codon 712 of the EXT1 protein (p.Phe712Leu). This variant is present in population databases (rs575830428, gnomAD 0.007%). This variant has not been reported in the literature in individuals affected with EXT1-related conditions. ClinVar contains an entry for this variant (Variation ID: 2187073). Invitae Evidence Modeling of protein sequence and biophysical properties (such as structural, functional, and spatial information, amino acid conservation, physicochemical variation, residue mobility, and thermodynamic stability) indicates that this missense variant is not expected to disrupt EXT1 protein function with a negative predictive value of 80%. In summary, the available evidence is currently insufficient to determine the role of this variant in disease. Therefore, it has been classified as a Variant of Uncertain Significance.